The following is an entry in ClinVar:

NM_000075.4(CDK4):c.306A>C (p.Thr102=)

Gene: CDK4 (cyclin dependent kinase 4; minus strand). Cytogenetic location: 12q14.1.
Variant type: single nucleotide variant.
Coding change: c.306A>C on transcript NM_000075.4 (MANE Select); coding-DNA position 306, A replaced by C.
Protein change: p.Thr102=; no amino-acid change (threonine 102 retained).
Molecular consequence: synonymous variant.
Genome position (GRCh38, 1-based): chr12:57,751,255, T>G on the plus strand (A>C on the coding strand, the complement: CDK4 is on the minus strand). VCF-style: chr12-57751255-T-G. GRCh37 (hg19) VCF-style: chr12-58145038-T-G.
Other names: c.306A>C (LRG_490t1).
Identifiers: ClinVar variation 386089 (VCV000386089.40), dbSNP rs201202764, ClinGen allele CA6657848.

ClinVar aggregate classification (germline): Benign/Likely benign. Review status: criteria provided, multiple submitters, no conflicts (2 of 4 stars). 9 submissions from 9 submitters: Benign (2); Likely benign (7). Last evaluated 2026-01-26.

Conditions:
Melanoma, cutaneous malignant, susceptibility to, 3. Also called: Cutaneous malignant melanoma 3. Identifiers: Orphanet 618, MedGen C1836892, MONDO:0012183, OMIM 609048.
Hereditary cancer-predisposing syndrome. Also called: Neoplastic Syndromes, Hereditary; Hereditary neoplastic syndrome; Tumor predisposition; Hereditary Cancer Syndrome. Identifiers: Orphanet 140162, MedGen C0027672, MeSH D009386, MONDO:0015356.
Familial melanoma. Also called: Hereditary melanoma; Hereditary cutaneous melanoma. Identifiers: Orphanet 618, MedGen C1512419, MONDO:0018961.

gnomAD v4.1: 20 of 1,614,056 alleles (0.0012%); highest among the groups gnomAD compares: Non-Finnish European, 0.0015%; no homozygotes.

Submissions (9):

Labcorp Genetics (formerly Invitae), Labcorp
Classification: Likely benign for Familial melanoma. Last evaluated: 2026-01-26. Review status: criteria provided, single submitter. Criteria: Invitae Variant Classification Sherloc (09022015). Collection method: clinical testing. Allele origin: germline.

Quest Diagnostics Nichols Institute San Juan Capistrano
Classification: Likely benign. Last evaluated: 2025-09-18. Review status: criteria provided, single submitter. Criteria: Quest Diagnostics criteria. Collection method: clinical testing. Allele origin: unknown.

KCCC/NGS Laboratory, Kuwait Cancer Control Center
Classification: Benign for Melanoma, cutaneous malignant, susceptibility to, 3. Last evaluated: 2025-02-01. Review status: criteria provided, single submitter. Criteria: ACMG Guidelines, 2015. Collection method: clinical testing. Allele origin: germline. Affected: no.

Myriad Genetics, Inc.
Classification: Benign for Melanoma, cutaneous malignant, susceptibility to, 3. Last evaluated: 2024-09-25. Review status: criteria provided, single submitter. Criteria: Myriad Autosomal Dominant, Autosomal Recessive and X-Linked Classification Criteria (2023). Collection method: clinical testing. Allele origin: unknown.
Comment: This variant is considered benign. This variant is a silent/synonymous amino acid change and it is not expected to impact splicing.

CeGaT Center for Human Genetics Tuebingen
Classification: Likely benign. Last evaluated: 2024-06-01. Review status: criteria provided, single submitter. Criteria: CeGaT Center For Human Genetics Tuebingen Variant Classification Criteria Version 2. Collection method: clinical testing. Allele origin: germline. Affected: yes. Observed: 1 variant allele.
Comment: CDK4: BP4, BP7

Sema4
Classification: Likely benign for Hereditary cancer-predisposing syndrome. Last evaluated: 2020-11-25. Review status: criteria provided, single submitter. Criteria: Sema4 Curation Guidelines. Collection method: curation. Allele origin: germline.

Women's Health and Genetics/Laboratory Corporation of America, LabCorp
Classification: Likely benign. Last evaluated: 2019-08-28. Review status: criteria provided, single submitter. Criteria: LabCorp Variant Classification Summary - May 2015. Collection method: clinical testing. Allele origin: germline.

GeneDx
Classification: Likely benign. Last evaluated: 2016-05-09. Review status: criteria provided, single submitter. Criteria: GeneDx Variant Classification (06012015). Collection method: clinical testing. Allele origin: germline. Affected: yes.
Comment: This variant is considered likely benign or benign based on one or more of the following criteria: it is a conservative change, it occurs at a poorly conserved position in the protein, it is predicted to be benign by multiple in silico algorithms, and/or has population frequency not consistent with disease.

Ambry Genetics
Classification: Likely benign for Hereditary cancer-predisposing syndrome. Last evaluated: 2015-07-14. Review status: criteria provided, single submitter. Criteria: Ambry Variant Classification Scheme 2023. Collection method: clinical testing. Allele origin: germline.

Literature cited by the submitters: PubMed 38509102 (cited by Quest Diagnostics Nichols Institute San Juan Capistrano).